The following is an entry in ClinVar:

NM_002350.4(LYN):c.74G>A (p.Arg25His)

Gene: LYN (LYN proto-oncogene, Src family tyrosine kinase; plus strand). Cytogenetic location: 8q12.1.
Variant type: single nucleotide variant.
Coding change: c.74G>A on transcript NM_002350.4 (MANE Select); coding-DNA position 74, G replaced by A.
Protein change: p.Arg25His; replaces arginine 25 with histidine.
Molecular consequence: missense variant. On other transcripts: intron variant (1).
Genome position (GRCh38, 1-based): chr8:55,941,933, G>A. VCF-style: chr8-55941933-G-A. GRCh37 (hg19) VCF-style: chr8-56854492-G-A.
Other names: c.69+5G>A (NM_001111097.3); short protein forms R25H.
Identifiers: ClinVar variation 1939210 (VCV001939210.5), dbSNP rs1341743995, ClinGen allele CA371277986.

ClinVar aggregate classification (germline): Uncertain significance (1 of 4 stars; one submission).

gnomAD v4.1: 2 of 1,612,448 alleles (0.00012%); highest among the groups gnomAD compares: Non-Finnish European, 0.00017%; no homozygotes.

Submission:

Labcorp Genetics (formerly Invitae), Labcorp
Classification: Uncertain significance. Last evaluated: 2022-03-13. Review status: criteria provided, single submitter. Criteria: Invitae Variant Classification Sherloc (09022015). Collection method: clinical testing. Allele origin: germline.
Comment: This sequence change replaces arginine, which is basic and polar, with histidine, which is basic and polar, at codon 25 of the LYN protein (p.Arg25His). This variant is present in population databases (no rsID available, gnomAD 0.0009%). This variant has not been reported in the literature in individuals affected with LYN-related conditions. Algorithms developed to predict the effect of missense changes on protein structure and function (SIFT, PolyPhen-2, Align-GVGD) all suggest that this variant is likely to be tolerated. Algorithms developed to predict the effect of sequence changes on RNA splicing suggest that this variant may disrupt the consensus splice site. In summary, the available evidence is currently insufficient to determine the role of this variant in disease. Therefore, it has been classified as a Variant of Uncertain Significance.